The following is an entry in ClinVar:

ClinVar aggregate classification (germline): Likely benign (1 of 4 stars; one submission).

Submission:

CeGaT Center for Human Genetics Tuebingen
Classification: Likely benign. Last evaluated: 2025-12-01. Review status: criteria provided, single submitter. Criteria: CeGaT Center For Human Genetics Tuebingen Variant Classification Criteria Version 2. Collection method: clinical testing. Allele origin: germline. Affected: yes. Observed: 1 variant allele.
Comment: NPR2: PM2:Supporting, BP4, BP7

NM_003995.4(NPR2):c.2379T>A (p.Gly793=)

Gene: NPR2 (natriuretic peptide receptor 2; plus strand). Cytogenetic location: 9p13.3.
Variant type: single nucleotide variant.
Coding change: c.2379T>A on transcript NM_003995.4 (MANE Select); coding-DNA position 2379, T replaced by A.
Protein change: p.Gly793=; no amino-acid change (glycine 793 retained).
Molecular consequence: synonymous variant.
Genome position (GRCh38, 1-based): chr9:35,806,398, T>A. VCF-style: chr9-35806398-T-A. GRCh37 (hg19) VCF-style: chr9-35806395-T-A.
Other names: c.2388T>A, p.Gly796= (NM_001378923.1).
Identifiers: ClinVar variation 4681513 (VCV004681513.5).